The following is an entry in ClinVar:

ClinVar aggregate classification (germline): Benign/Likely benign. Review status: criteria provided, multiple submitters, no conflicts (2 of 4 stars). 12 submissions from 12 submitters: Benign (5); Likely benign (3). 4 of the submissions do not count toward it. Last evaluated 2026-02-04.

Conditions:
Cardiovascular phenotype. Identifiers: MedGen CN230736.
Cardiomyopathy (CMYO). Also called: Cardiomyopathies. Identifiers: Orphanet 167848, MedGen C0878544, MONDO:0004994, HP:0001638. Inheritance: Various modes of inheritance.
Hypertrophic cardiomyopathy 2. Also called: TNNT2-Related Familial Hypertrophic Cardiomyopathy. Identifiers: MedGen C1861864, MONDO:0007266, OMIM 115195.
Hypertrophic cardiomyopathy 14. Identifiers: MedGen C2750467, MONDO:0013197, OMIM 613251.

Submissions (12):

Labcorp Genetics (formerly Invitae), Labcorp
Classification: Benign for Hypertrophic cardiomyopathy 14. Last evaluated: 2026-02-04. Review status: criteria provided, single submitter. Criteria: Invitae Variant Classification Sherloc (09022015). Collection method: clinical testing. Allele origin: germline.

Laboratory of Genetics, Children's Clinical University Hospital Latvia
Classification: Benign. Last evaluated: 2025-02-16. Review status: criteria provided, single submitter. Criteria: ACMG Guidelines, 2015. Collection method: clinical testing. Allele origin: germline. Affected: yes.

Blueprint Genetics
Classification: Likely benign. Last evaluated: 2024-11-27. Review status: criteria provided, single submitter. Criteria: ACMG Guidelines, 2015. Collection method: clinical testing. Allele origin: germline.

GeneDx
Classification: Benign. Last evaluated: 2017-08-08. Review status: criteria provided, single submitter. Criteria: GeneDx Variant Classification (06012015). Collection method: clinical testing. Allele origin: germline. Affected: yes.
Comment: This variant is considered likely benign or benign based on one or more of the following criteria: it is a conservative change, it occurs at a poorly conserved position in the protein, it is predicted to be benign by multiple in silico algorithms, and/or has population frequency not consistent with disease.

CHEO Genetics Diagnostic Laboratory, Children's Hospital of Eastern Ontario
Classification: Benign for Cardiomyopathy. Last evaluated: 2016-04-04. Review status: criteria provided, single submitter. Criteria: ACMG Guidelines, 2015. Collection method: clinical testing. Allele origin: germline. Study: Canadian Open Genetics Repository.

Ambry Genetics
Classification: Likely benign for Cardiovascular phenotype. Last evaluated: 2015-09-30. Review status: criteria provided, single submitter. Criteria: Ambry Variant Classification Scheme 2023. Collection method: clinical testing. Allele origin: germline.

Women's Health and Genetics/Laboratory Corporation of America, LabCorp
Classification: Likely benign for Cardiomyopathy. Last evaluated: 2011-08-18. Review status: criteria provided, single submitter. Criteria: LabCorp Variant Classification Summary - May 2015. Collection method: curation. Allele origin: germline. Inheritance: autosomal unknown. Affected: yes.
ClinVar note: Converted during submission from likely benign to Likely benign.

PreventionGenetics, part of Exact Sciences
Classification: Benign. Review status: criteria provided, single submitter. Criteria: ACMG Guidelines, 2015. Collection method: clinical testing. Allele origin: germline.

Laboratory for Molecular Medicine, Mass General Brigham Personalized Medicine
No classification provided. Last evaluated: 2014-05-09. Review status: no classification provided. Collection method: clinical testing. Allele origin: germline. Observed: 6 variant alleles. Not counted in ClinVar's aggregate classification.

Institute of Human Genetics, University of Wuerzburg
No classification provided. Condition: Hypertrophic cardiomyopathy 2. Review status: no classification provided. Collection method: clinical testing. Allele origin: unknown. Affected: yes. Observed: 1 variant allele. Not counted in ClinVar's aggregate classification.

Joint Genome Diagnostic Labs from Nijmegen and Maastricht, Radboudumc and MUMC+
Classification: Benign. Review status: no assertion criteria provided. Collection method: clinical testing. Allele origin: germline. Affected: yes. Study: VKGL Data-share Consensus. Not counted in ClinVar's aggregate classification.

Laboratory of Diagnostic Genome Analysis, Leiden University Medical Center (LUMC)
Classification: Benign. Review status: no assertion criteria provided. Collection method: clinical testing. Allele origin: germline. Affected: yes. Study: VKGL Data-share Consensus. Not counted in ClinVar's aggregate classification.

NM_002471.4(MYH6):c.3979-8del

Gene: MYH6 (myosin heavy chain 6; minus strand). Cytogenetic location: 14q11.2.
Variant type: Deletion.
Coding change: c.3979-8del on transcript NM_002471.4 (MANE Select); 8 bases into the intron before coding-DNA position 3979, one base deleted (C; older notation c.3979-8delC).
Molecular consequence: intron variant.
Genome position (GRCh38, 1-based): chr14:23,389,063, G deleted on the plus strand (C on the coding strand, the reverse complement: MYH6 is on the minus strand); the first of 10 consecutive G bases (chr14:23,389,063-23,389,072); deleting any one gives the same sequence. VCF-style (leftmost placement, unchanged base first): chr14-23389062-AG-A. GRCh37 (hg19) VCF-style: chr14-23858271-AG-A.
Other names: c.3979-9delC (NM_002471.3); c.3979-8delC (NM_002471.3).
Identifiers: ClinVar variation 36628 (VCV000036628.30), dbSNP rs193922652, ClinGen allele CA181325.